The following is an entry in ClinVar:

NM_022455.5(NSD1):c.1322A>G (p.Lys441Arg)

Gene: NSD1 (nuclear receptor binding SET domain protein 1; plus strand). Cytogenetic location: 5q35.3.
Variant type: single nucleotide variant.
Coding change: c.1322A>G on transcript NM_022455.5 (MANE Select); coding-DNA position 1322, A replaced by G.
Protein change: p.Lys441Arg; replaces lysine 441 with arginine.
Molecular consequence: missense variant.
Genome position (GRCh38, 1-based): chr5:177,209,721, A>G. VCF-style: chr5-177209721-A-G. GRCh37 (hg19) VCF-style: chr5-176636722-A-G.
Other names: c.449A>G, p.Lys150Arg (NM_001365684.2, NM_001409306.1, NM_001409307.1 and 3 more transcripts); c.1322A>G, p.Lys441Arg (NM_001409301.1, NM_001409302.1, NM_001409303.1); c.902A>G, p.Lys301Arg (NM_001409304.1); c.569A>G, p.Lys190Arg (NM_001409305.1); short protein forms K150R, K301R, K441R, K190R.
Identifiers: ClinVar variation 3635572 (VCV003635572.2).

ClinVar aggregate classification (germline): Uncertain significance (1 of 4 stars; one submission).

Submission:

Labcorp Genetics (formerly Invitae), Labcorp
Classification: Uncertain significance. Last evaluated: 2025-06-12. Review status: criteria provided, single submitter. Criteria: Invitae Variant Classification Sherloc (09022015). Collection method: clinical testing. Allele origin: germline.
Comment: This sequence change replaces lysine, which is basic and polar, with arginine, which is basic and polar, at codon 441 of the NSD1 protein (p.Lys441Arg). This variant is not present in population databases (gnomAD no frequency). This variant has not been reported in the literature in individuals affected with NSD1-related conditions. ClinVar contains an entry for this variant (Variation ID: 3635572). Invitae Evidence Modeling of protein sequence and biophysical properties (such as structural, functional, and spatial information, amino acid conservation, physicochemical variation, residue mobility, and thermodynamic stability) indicates that this missense variant is not expected to disrupt NSD1 protein function with a negative predictive value of 95%. In summary, the available evidence is currently insufficient to determine the role of this variant in disease. Therefore, it has been classified as a Variant of Uncertain Significance.